The following is an entry in ClinVar:

ClinVar aggregate classification (germline): Conflicting classifications of pathogenicity. Review status: criteria provided, conflicting classifications (1 of 4 stars). 2 submissions from 2 submitters: Likely pathogenic (1); Uncertain significance (1). Last evaluated 2024-11-12.

Conditions:
Microcephaly-intellectual disability-sensorineural hearing loss-epilepsy-abnormal muscle tone syndrome (NEDHSB). Also called: NEURODEVELOPMENTAL DISORDER WITH HEARING LOSS, SEIZURES, AND BRAIN ABNORMALITIES. Identifiers: Orphanet 457351, MedGen C4225276, MONDO:0014698, OMIM 616577.

Submissions (2):

Labcorp Genetics (formerly Invitae), Labcorp
Classification: Uncertain significance for Microcephaly-intellectual disability-sensorineural hearing loss-epilepsy-abnormal muscle tone syndrome. Last evaluated: 2024-11-12. Review status: criteria provided, single submitter. Criteria: Invitae Variant Classification Sherloc (09022015). Collection method: clinical testing. Allele origin: germline.
Comment: This sequence change replaces serine, which is neutral and polar, with isoleucine, which is neutral and non-polar, at codon 90 of the SPATA5 protein (p.Ser90Ile). This variant is not present in population databases (gnomAD no frequency). This missense change has been observed in individual(s) with clinical features of SPATA5-related condition (PMID: 26299366). It has also been observed to segregate with disease in related individuals. ClinVar contains an entry for this variant (Variation ID: 203531). Invitae Evidence Modeling of protein sequence and biophysical properties (such as structural, functional, and spatial information, amino acid conservation, physicochemical variation, residue mobility, and thermodynamic stability) has been performed for this missense variant. However, the output from this modeling did not meet the statistical confidence thresholds required to predict the impact of this variant on SPATA5 protein function. In summary, the available evidence is currently insufficient to determine the role of this variant in disease. Therefore, it has been classified as a Variant of Uncertain Significance.

GeneDx
Classification: Likely pathogenic. Last evaluated: 2017-02-03. Review status: criteria provided, single submitter. Criteria: GeneDx Variant Classification (06012015). Collection method: clinical testing. Allele origin: germline. Affected: yes.
Comment: The S90I pathogenic variant in the SPATA5 gene has now been published as a disease-causing variant associated with SPATA5-related disorders (Tanaka et al., 2015). The S90I variant is not observed in large population cohorts (Lek et al., 2016; 1000 Genomes Consortium et al., 2015; Exome Variant Server). The S90I variant is a non-conservative amino acid substitution, which is likely to impact secondary protein structure as these residues differ in polarity, charge, size and/or other properties. This substitution occurs at a position where amino acids with similar properties to Serine are tolerated across species. In silico analysis predicts this variant is probably damaging to the protein structure/function. The S90I variant is a strong candidate for a pathogenic variant, however the possibility it may be a rare benign variant cannot be excluded.

Literature cited by the submitters: PubMed 26299366 (cited by Labcorp Genetics (formerly Invitae), Labcorp).

NM_145207.3(AFG2A):c.269G>T (p.Ser90Ile)

Gene: AFG2A (AAA ATPase AFG2A; plus strand). Cytogenetic location: 4q28.1.
Variant type: single nucleotide variant.
Coding change: c.269G>T on transcript NM_145207.3 (MANE Select); coding-DNA position 269, G replaced by T.
Protein change: p.Ser90Ile; replaces serine 90 with isoleucine.
Molecular consequence: missense variant.
Genome position (GRCh38, 1-based): chr4:122,927,739, G>T. VCF-style: chr4-122927739-G-T. GRCh37 (hg19) VCF-style: chr4-123848894-G-T.
Other names: c.266G>T, p.Ser89Ile (NM_001317799.2, NM_001345856.2); short protein forms S90I, S89I.
Identifiers: ClinVar variation 203531 (VCV000203531.5), dbSNP rs796051893, ClinGen allele CA312159.